The following is an entry in ClinVar:

NM_002076.4(GNS):c.1621A>G (p.Ser541Gly)

Gene: GNS (glucosamine (N-acetyl)-6-sulfatase; minus strand). Cytogenetic location: 12q14.3.
Variant type: single nucleotide variant.
Coding change: c.1621A>G on transcript NM_002076.4 (MANE Select); coding-DNA position 1621, A replaced by G.
Protein change: p.Ser541Gly; replaces serine 541 with glycine.
Molecular consequence: missense variant.
Genome position (GRCh38, 1-based): chr12:64,716,779, T>C on the plus strand (A>G on the coding strand, the complement: GNS is on the minus strand). VCF-style: chr12-64716779-T-C. GRCh37 (hg19) VCF-style: chr12-65110559-T-C.
Other names: short protein forms S541G.
Identifiers: ClinVar variation 2199703 (VCV002199703.2), dbSNP rs745781388, ClinGen allele CA6669619.

ClinVar aggregate classification (germline): Uncertain significance (1 of 4 stars; one submission).

Conditions:
Mucopolysaccharidosis, MPS-III-D (MPS3D). Also called: N-ACETYLGLUCOSAMINE-6-SULFATASE DEFICIENCY; SANFILIPPO SYNDROME D; MPS III D; Mucopoly-saccharidosis type 3D; N-acetylglucosamine-6-sulfate sulfatase deficiency; MPS 3D. Identifiers: Orphanet 581, Orphanet 79272, MedGen C0086650, MONDO:0009658, OMIM 252940.

Allele frequency attached by ClinVar (database versions not stated): TOPMed 0.00001; gnomAD exomes 0.00003; ExAC 0.00001; gnomAD 0.00003.
gnomAD v4.1: 46 of 1,613,620 alleles (0.0029%); highest among the groups gnomAD compares: Middle Eastern, 0.016%; no homozygotes.

Submission:

Labcorp Genetics (formerly Invitae), Labcorp
Classification: Uncertain significance for Mucopolysaccharidosis, MPS-III-D. Last evaluated: 2024-04-04. Review status: criteria provided, single submitter. Criteria: Invitae Variant Classification Sherloc (09022015). Collection method: clinical testing. Allele origin: germline.
Comment: This sequence change replaces serine, which is neutral and polar, with glycine, which is neutral and non-polar, at codon 541 of the GNS protein (p.Ser541Gly). This variant is present in population databases (rs745781388, gnomAD 0.004%). This variant has not been reported in the literature in individuals affected with GNS-related conditions. ClinVar contains an entry for this variant (Variation ID: 2199703). Algorithms developed to predict the effect of missense changes on protein structure and function output the following: SIFT: "Not Available"; PolyPhen-2: "Benign"; Align-GVGD: "Not Available". The glycine amino acid residue is found in multiple mammalian species, which suggests that this missense change does not adversely affect protein function. In summary, the available evidence is currently insufficient to determine the role of this variant in disease. Therefore, it has been classified as a Variant of Uncertain Significance.